The following is an entry in ClinVar:

ClinVar aggregate classification (germline): Likely benign (1 of 4 stars; one submission).

gnomAD v4.1: 151 of 1,611,838 alleles (0.0094%); highest among the groups gnomAD compares: African/African-American, 0.12%; no homozygotes.

Submission:

CeGaT Center for Human Genetics Tuebingen
Classification: Likely benign. Last evaluated: 2026-09-01. Review status: criteria provided, single submitter. Criteria: CeGaT Center For Human Genetics Tuebingen Variant Classification Criteria Version 2. Collection method: clinical testing. Allele origin: germline. Affected: yes. Observed: 1 variant allele.
Comment: AHNAK: BP4, BP7

NM_001620.3(AHNAK):c.63C>T (p.His21=)

Genes: AHNAK (AHNAK nucleoprotein; minus strand), LOC126861227 (CDK7 strongly-dependent group 2 enhancer GRCh37_chr11:62302796-62303995; plus strand). Cytogenetic location: 11q12.3.
Variant type: single nucleotide variant.
Coding change: c.63C>T on transcript NM_001620.3 (MANE Select); coding-DNA position 63, C replaced by T.
Protein change: p.His21=; no amino-acid change (histidine 21 retained).
Molecular consequence: synonymous variant.
Genome position (GRCh38, 1-based): chr11:62,536,036, G>A on the plus strand (C>T on the coding strand, the complement: AHNAK is on the minus strand). VCF-style: chr11-62536036-G-A. GRCh37 (hg19) VCF-style: chr11-62303508-G-A.
Other names: c.63C>T, p.His21= (NM_001346445.2, NM_001346446.2, NM_024060.4).
Identifiers: ClinVar variation 5040903 (VCV005040903.1).
Genomic context (GRCh38, chr11:62,536,036, plus strand): 5'-GGAGTTCTGCGTCACCTCCTGCACAAAGACGCCGTCGTCCCTCTGGGCGATGGTCAGCCC[G>A]TGGGAGCCACTACCCTGCCAGTTGGGCAGCAGCAGCTCCCGGGTTGTCTCCTCCTTCTCC-3'
Protein context (NP_001611.1, residues 11-31): LLPNWQGSGS[His21=]GLTIAQRDDG